The following is an entry in ClinVar:

NM_001267550.2(TTN):c.23887G>A (p.Val7963Met)

Gene: TTN (titin; minus strand). Cytogenetic location: 2q31.2.
Variant type: single nucleotide variant.
Coding change: c.23887G>A on transcript NM_001267550.2 (MANE Select); coding-DNA position 23887, G replaced by A.
Protein change: p.Val7963Met; replaces valine 7963 with methionine.
Molecular consequence: missense variant. On other transcripts: intron variant (3).
Genome position (GRCh38, 1-based): chr2:178,719,605, C>T on the plus strand (G>A on the coding strand, the complement: TTN is on the minus strand). VCF-style: chr2-178719605-C-T. GRCh37 (hg19) VCF-style: chr2-179584332-C-T.
Other names: c.22936G>A, p.Val7646Met (NM_001256850.1); c.20155G>A, p.Val6719Met (NM_133378.4); c.13282+18477G>A (NM_003319.4); c.13858+18477G>A (NM_133437.4); c.13657+18477G>A (NM_133432.3); short protein forms V6719M, V7646M, V7963M.
Identifiers: ClinVar variation 3389537 (VCV003389537.14).

ClinVar aggregate classification (germline): Uncertain significance (1 of 4 stars; one submission).

gnomAD v4.1: 2 of 1,613,232 alleles (0.00012%); highest among the groups gnomAD compares: East Asian, 0.0022%; no homozygotes.

Submission:

CeGaT Center for Human Genetics Tuebingen
Classification: Uncertain significance. Last evaluated: 2024-09-01. Review status: criteria provided, single submitter. Criteria: CeGaT Center For Human Genetics Tuebingen Variant Classification Criteria Version 2. Collection method: clinical testing. Allele origin: germline. Affected: yes. Observed: 1 variant allele.
Comment: TTN: PM2